The following is an entry in ClinVar:

ClinVar aggregate classification (germline): Uncertain significance (1 of 4 stars; one submission).

Conditions:
MHC class II deficiency. Also called: Bare lymphocyte syndrome 2; BLS, TYPE II. Identifiers: Orphanet 572, MedGen C5447452, MONDO:0008855.

Submission:

Labcorp Genetics (formerly Invitae), Labcorp
Classification: Uncertain significance for MHC class II deficiency. Last evaluated: 2022-07-27. Review status: criteria provided, single submitter. Criteria: Invitae Variant Classification Sherloc (09022015). Collection method: clinical testing. Allele origin: germline.
Comment: This variant has not been reported in the literature in individuals affected with RFXAP-related conditions. In summary, the available evidence is currently insufficient to determine the role of this variant in disease. Therefore, it has been classified as a Variant of Uncertain Significance. This variant disrupts the C-terminus of the RFXAP protein. Other variant(s) that disrupt this region (p.Gln251*) have been observed in individuals with RFXAP-related conditions (PMID: 12498778). This suggests that this may be a clinically significant region of the protein. This variant is a gross deletion of the genomic region encompassing exon(s) 2-3 of the RFXAP gene, which includes the termination codon. This deletion extends beyond the assayed region for this gene and therefore may encompass additional genes. While this deletion is not anticipated to lead to nonsense mediated decay, it is expected to alter mRNA translation or result in a truncated protein product.

Literature cited by the submitters: PubMed 12498778.

NC_000013.10:g.(?_37399545)_(37401890_?)del

Gene: RFXAP (regulatory factor X associated protein; plus strand). Cytogenetic location: 13q13.3.
Variant type: Deletion.
Identifiers: ClinVar variation 2423262 (VCV002423262.4).